The following is an entry in ClinVar:

ClinVar aggregate classification (germline): Uncertain significance. Review status: criteria provided, multiple submitters, no conflicts (2 of 4 stars). 2 submissions from 2 submitters: Uncertain significance (2). Last evaluated 2022-08-08.

Conditions:
Developmental and epileptic encephalopathy, 12 (DEE12). Identifiers: MedGen C3150988, MONDO:0013389, OMIM 613722.

Allele frequency attached by ClinVar (database versions not stated): TOPMed 0.00003.
gnomAD v4.1: 15 of 1,610,968 alleles (0.00093%); highest among the groups gnomAD compares: Admixed American, 0.0017%; no homozygotes.

Submissions (2):

Labcorp Genetics (formerly Invitae), Labcorp
Classification: Uncertain significance for Developmental and epileptic encephalopathy, 12. Last evaluated: 2022-08-08. Review status: criteria provided, single submitter. Criteria: Invitae Variant Classification Sherloc (09022015). Collection method: clinical testing. Allele origin: germline.
Comment: Algorithms developed to predict the effect of missense changes on protein structure and function are either unavailable or do not agree on the potential impact of this missense change (SIFT: "Tolerated"; PolyPhen-2: "Probably Damaging"; Align-GVGD: "Class C0"). In summary, the available evidence is currently insufficient to determine the role of this variant in disease. Therefore, it has been classified as a Variant of Uncertain Significance. ClinVar contains an entry for this variant (Variation ID: 998821). This variant has not been reported in the literature in individuals affected with PNKP-related conditions. This variant is present in population databases (no rsID available, gnomAD 0.07%). This sequence change replaces cysteine, which is neutral and slightly polar, with tryptophan, which is neutral and slightly polar, at codon 308 of the PNKP protein (p.Cys308Trp).

Breakthrough Genomics
Classification: Uncertain significance. Review status: criteria provided, single submitter. Criteria: ACMG Guidelines, 2015. Collection method: not provided. Allele origin: germline. Inheritance: Autosomal dominant inheritance. Affected: yes.

NM_007254.4(PNKP):c.924C>G (p.Cys308Trp)

Gene: PNKP (polynucleotide kinase 3'-phosphatase; minus strand). Cytogenetic location: 19q13.33.
Variant type: single nucleotide variant.
Coding change: c.924C>G on transcript NM_007254.4 (MANE Select); coding-DNA position 924, C replaced by G.
Protein change: p.Cys308Trp; replaces cysteine 308 with tryptophan.
Molecular consequence: missense variant.
Genome position (GRCh38, 1-based): chr19:49,862,550, G>C on the plus strand (C>G on the coding strand, the complement: PNKP is on the minus strand). VCF-style: chr19-49862550-G-C. GRCh37 (hg19) VCF-style: chr19-50365807-G-C.
Other names: short protein forms C308W.
Identifiers: ClinVar variation 998821 (VCV000998821.8), dbSNP rs771622669, ClinGen allele CA309494477.